The following is an entry in ClinVar:

ClinVar aggregate classification (germline): Uncertain significance. Review status: criteria provided, multiple submitters, no conflicts (2 of 4 stars). 2 submissions from 2 submitters: Uncertain significance (2). Last evaluated 2024-11-11.

Allele frequency attached by ClinVar (database versions not stated): gnomAD exomes 0.00001; gnomAD 0.00002 and 0.00003; TOPMed 0.00002.

Submissions (2):

Labcorp Genetics (formerly Invitae), Labcorp
Classification: Uncertain significance. Last evaluated: 2024-11-11. Review status: criteria provided, single submitter. Criteria: Invitae Variant Classification Sherloc (09022015). Collection method: clinical testing. Allele origin: germline.
Comment: This sequence change replaces arginine, which is basic and polar, with glycine, which is neutral and non-polar, at codon 84 of the HMX1 protein (p.Arg84Gly). This variant is present in population databases (no rsID available, gnomAD 0.02%). This missense change has been observed in individual(s) with Peters' anomaly (PMID: 35170016). ClinVar contains an entry for this variant (Variation ID: 939776). Experimental studies and prediction algorithms are not available or were not evaluated, and the functional significance of this variant is currently unknown. In summary, the available evidence is currently insufficient to determine the role of this variant in disease. Therefore, it has been classified as a Variant of Uncertain Significance.

Blueprint Genetics
Classification: Uncertain significance. Last evaluated: 2019-12-11. Review status: criteria provided, single submitter. Criteria: ACMG Guidelines, 2015. Collection method: clinical testing. Allele origin: germline.

Literature cited by the submitters: PubMed 35170016 (cited by Labcorp Genetics (formerly Invitae), Labcorp).

NM_018942.3(HMX1):c.250C>G (p.Arg84Gly)

Gene: HMX1 (H6 family homeobox 1; minus strand). Cytogenetic location: 4p16.1.
Variant type: single nucleotide variant.
Coding change: c.250C>G on transcript NM_018942.3 (MANE Select); coding-DNA position 250, C replaced by G.
Protein change: p.Arg84Gly; replaces arginine 84 with glycine.
Molecular consequence: missense variant.
Genome position (GRCh38, 1-based): chr4:8,871,365, G>C on the plus strand (C>G on the coding strand, the complement: HMX1 is on the minus strand). VCF-style: chr4-8871365-G-C. GRCh37 (hg19) VCF-style: chr4-8873091-G-C.
Other names: c.250C>G, p.Arg84Gly (NM_001306142.2); short protein forms R84G.
Identifiers: ClinVar variation 939776 (VCV000939776.8), dbSNP rs1364837657, ClinGen allele CA356279023.